The following is an entry in ClinVar:

ClinVar aggregate classification (germline): Likely benign. Review status: criteria provided, single submitter (1 of 4 stars). 2 submissions from 2 submitters: Likely benign (1). 1 of the submissions does not count toward it. Last evaluated 2018-06-08.

Conditions:
VWA2-related disorder. Also called: VWA2-related condition.

Allele frequency attached by ClinVar (database versions not stated): ExAC 0.00014; ESP Exome Variant Server 0.00015; gnomAD exomes 0.00015 and 0.00019; gnomAD 0.00029 and 0.00030; TOPMed 0.00053; 1000 Genomes Project 0.00120; 1000 Genomes Project 30x 0.00141.
gnomAD v4.1: 266 of 1,582,824 alleles (0.017%); highest among the groups gnomAD compares: Admixed American, 0.11%; 1 homozygote.

Submissions (2):

Labcorp Genetics (formerly Invitae), Labcorp
Classification: Likely benign. Last evaluated: 2018-06-08. Review status: criteria provided, single submitter. Criteria: Invitae Variant Classification Sherloc (09022015). Collection method: clinical testing. Allele origin: germline.

PreventionGenetics, part of Exact Sciences
Classification: Likely benign for VWA2-related condition. Last evaluated: 2019-07-03. Review status: no assertion criteria provided. Collection method: clinical testing. Allele origin: germline. Not counted in ClinVar's aggregate classification.
Comment: This variant is classified as likely benign based on ACMG/AMP sequence variant interpretation guidelines (Richards et al. 2015 PMID: 25741868, with internal and published modifications).

NM_001272046.2(VWA2):c.998-4G>A

Genes: AFAP1L2 (actin filament associated protein 1 like 2; minus strand), VWA2 (von Willebrand factor A domain containing 2; plus strand). Cytogenetic location: 10q25.3.
Variant type: single nucleotide variant.
Coding change: c.998-4G>A on transcript NM_001272046.2 (MANE Select); 4 bases into the intron before coding-DNA position 998, G replaced by A.
Molecular consequence: intron variant.
Genome position (GRCh38, 1-based): chr10:114,285,935, G>A. VCF-style: chr10-114285935-G-A. GRCh37 (hg19) VCF-style: chr10-116045694-G-A.
Other names: c.998-4G>A (NM_001320804.1).
Identifiers: ClinVar variation 712383 (VCV000712383.5), dbSNP rs199822772, ClinGen allele CA5700563.